The following is an entry in ClinVar:

NM_177438.3(DICER1):c.4220T>C (p.Met1407Thr)

Gene: DICER1 (dicer 1, ribonuclease III; minus strand). Cytogenetic location: 14q32.13.
Variant type: single nucleotide variant.
Coding change: c.4220T>C on transcript NM_177438.3 (MANE Select); coding-DNA position 4220, T replaced by C.
Protein change: p.Met1407Thr; replaces methionine 1407 with threonine.
Molecular consequence: missense variant. On other transcripts: non-coding transcript variant (6).
Genome position (GRCh38, 1-based): chr14:95,096,700, A>G on the plus strand (T>C on the coding strand, the complement: DICER1 is on the minus strand). VCF-style: chr14-95096700-A-G. GRCh37 (hg19) VCF-style: chr14-95563037-A-G.
Other names: c.4220T>C, p.Met1407Thr (NM_001195573.1, NM_001271282.3, NM_001291628.2 and 12 more transcripts); c.3938T>C, p.Met1313Thr (NM_001395686.1); c.3815T>C, p.Met1272Thr (NM_001395687.1, NM_001395688.1, NM_001395689.1 and 2 more transcripts); c.3653T>C, p.Met1218Thr (NM_001395691.1); c.2537T>C, p.Met846Thr (NM_001395697.1); short protein forms M1218T, M1313T, M1407T, M1272T, M846T.
Identifiers: ClinVar variation 4746799 (VCV004746799.1).

ClinVar aggregate classification (germline): Uncertain significance (1 of 4 stars; one submission).

Conditions:
DICER1-related tumor predisposition. Also called: DICER1-related pleuropulmonary blastoma cancer predisposition syndrome; DICER1 syndrome. Identifiers: Orphanet 284343, MedGen C3839822, MONDO:0100216.

Submission:

Labcorp Genetics (formerly Invitae), Labcorp
Classification: Uncertain significance for DICER1-related tumor predisposition. Last evaluated: 2025-10-30. Review status: criteria provided, single submitter. Criteria: Invitae Variant Classification Sherloc (09022015). Collection method: clinical testing. Allele origin: germline.
Comment: This sequence change replaces methionine, which is neutral and non-polar, with threonine, which is neutral and polar, at codon 1407 of the DICER1 protein (p.Met1407Thr). This variant is not present in population databases (gnomAD no frequency). This variant has not been reported in the literature in individuals affected with DICER1-related conditions. Invitae Evidence Modeling of protein sequence and biophysical properties (such as structural, functional, and spatial information, amino acid conservation, physicochemical variation, residue mobility, and thermodynamic stability) indicates that this missense variant is not expected to disrupt DICER1 protein function with a negative predictive value of 95%. In summary, the available evidence is currently insufficient to determine the role of this variant in disease. Therefore, it has been classified as a Variant of Uncertain Significance.